The following is an entry in ClinVar:

NM_022370.4(ROBO3):c.3822G>A (p.Pro1274=)

Gene: ROBO3 (roundabout guidance receptor 3; plus strand). Cytogenetic location: 11q24.2.
Variant type: single nucleotide variant.
Coding change: c.3822G>A on transcript NM_022370.4 (MANE Select); coding-DNA position 3822, G replaced by A.
Protein change: p.Pro1274=; no amino-acid change (proline 1274 retained).
Molecular consequence: synonymous variant. On other transcripts: non-coding transcript variant (7).
Genome position (GRCh38, 1-based): chr11:124,879,812, G>A. VCF-style: chr11-124879812-G-A. GRCh37 (hg19) VCF-style: chr11-124749708-G-A.
Other names: c.969G>A, p.Pro323= (NM_001370356.1, NM_001370357.1, NM_001370358.1 and 2 more transcripts); c.774G>A, p.Pro258= (NM_001370364.1, NM_001370366.1).
Identifiers: ClinVar variation 303275 (VCV000303275.12), dbSNP rs11219826, ClinGen allele CA6344295.

ClinVar aggregate classification (germline): Benign/Likely benign. Review status: criteria provided, multiple submitters, no conflicts (2 of 4 stars). 4 submissions from 4 submitters: Benign (1); Likely benign (2). 1 of the submissions does not count toward it. Last evaluated 2024-09-20.

Conditions:
ROBO3-related disorder. Also called: ROBO3-related condition.
Gaze palsy, familial horizontal, with progressive scoliosis 1 (HGPPS1). Identifiers: Orphanet 2744, MedGen C4551964, MONDO:0020790, OMIM 607313.

Allele frequency attached by ClinVar (database versions not stated): ESP Exome Variant Server 0.00008; gnomAD 0.00036 and 0.00039; TOPMed 0.00046; 1000 Genomes Project 30x 0.00094; 1000 Genomes Project 0.00100.
gnomAD v4.1: 289 of 1,613,836 alleles (0.018%); highest among the groups gnomAD compares: East Asian, 0.37%; 4 homozygotes.

Submissions (4):

Blueprint Genetics
Classification: Likely benign. Last evaluated: 2024-09-20. Review status: criteria provided, single submitter. Criteria: ACMG Guidelines, 2015. Collection method: clinical testing. Allele origin: germline.

Labcorp Genetics (formerly Invitae), Labcorp
Classification: Benign. Last evaluated: 2019-12-31. Review status: criteria provided, single submitter. Criteria: Invitae Variant Classification Sherloc (09022015). Collection method: clinical testing. Allele origin: germline.

Illumina Laboratory Services, Illumina
Classification: Likely benign for Gaze palsy, familial horizontal, with progressive scoliosis 1. Last evaluated: 2018-01-12. Review status: criteria provided, single submitter. Criteria: ICSL Variant Classification Criteria 13 December 2019. Collection method: clinical testing. Allele origin: germline.
Comment: This variant was observed in the ICSL laboratory as part of a predisposition screen in an ostensibly healthy population. It had not been previously curated by ICSL or reported in the Human Gene Mutation Database (HGMD: prior to June 1st, 2018), and was therefore a candidate for classification through an automated scoring system. Utilizing variant allele frequency, disease prevalence and penetrance estimates, and inheritance mode, an automated score was calculated to assess if this variant is too frequent to cause the disease. Based on the score and internal cut-off values, a variant classified as likely benign is not then subjected to further curation. The score for this variant resulted in a classification of likely benign for this disease.

PreventionGenetics, part of Exact Sciences
Classification: Likely benign for ROBO3-related condition. Last evaluated: 2019-11-27. Review status: no assertion criteria provided. Collection method: clinical testing. Allele origin: germline. Not counted in ClinVar's aggregate classification.
Comment: This variant is classified as likely benign based on ACMG/AMP sequence variant interpretation guidelines (Richards et al. 2015 PMID: 25741868, with internal and published modifications).